The following is an entry in ClinVar:

ClinVar aggregate classification (germline): Uncertain significance (1 of 4 stars; one submission).

Conditions:
Temtamy syndrome (TEMTYS). Also called: MENTAL RETARDATION WITH OR WITHOUT CRANIOFACIAL DYSMORPHISM, OCULAR COLOBOMA, OR ABNORMAL CORPUS CALLOSUM. Identifiers: Orphanet 1777, MedGen C1857512, MONDO:0009033, OMIM 218340.

Allele frequency attached by ClinVar (database versions not stated): TOPMed 0.00001.
gnomAD v4.1: 7 of 1,612,100 alleles (0.00043%); highest among the groups gnomAD compares: Admixed American, 0.0083%; no homozygotes.

Submission:

Labcorp Genetics (formerly Invitae), Labcorp
Classification: Uncertain significance for Temtamy syndrome. Last evaluated: 2022-07-19. Review status: criteria provided, single submitter. Criteria: Invitae Variant Classification Sherloc (09022015). Collection method: clinical testing. Allele origin: germline.
Comment: This sequence change replaces alanine, which is neutral and non-polar, with glycine, which is neutral and non-polar, at codon 21 of the C12orf57 protein (p.Ala21Gly). This variant is present in population databases (no rsID available, gnomAD 0.01%). This variant has not been reported in the literature in individuals affected with C12orf57-related conditions. ClinVar contains an entry for this variant (Variation ID: 658868). Algorithms developed to predict the effect of missense changes on protein structure and function are either unavailable or do not agree on the potential impact of this missense change (SIFT: "Tolerated"; PolyPhen-2: "Possibly Damaging"; Align-GVGD: "Class C0"). In summary, the available evidence is currently insufficient to determine the role of this variant in disease. Therefore, it has been classified as a Variant of Uncertain Significance.

NM_138425.4(C12orf57):c.62C>G (p.Ala21Gly)

Gene: C12orf57 (chromosome 12 open reading frame 57; plus strand). Cytogenetic location: 12p13.31.
Variant type: single nucleotide variant.
Coding change: c.62C>G on transcript NM_138425.4 (MANE Select); coding-DNA position 62, C replaced by G.
Protein change: p.Ala21Gly; replaces alanine 21 with glycine.
Molecular consequence: missense variant. On other transcripts: 5 prime UTR variant (1), non-coding transcript variant (1).
Genome position (GRCh38, 1-based): chr12:6,944,485, C>G. VCF-style: chr12-6944485-C-G. GRCh37 (hg19) VCF-style: chr12-7053648-C-G.
Other names: c.62C>G, p.Ala21Gly (NM_001301834.1, NM_001301837.2); c.23C>G, p.Ala8Gly (NM_001301836.2); c.-44C>G (NM_001301838.2); short protein forms A8G, A21G.
Identifiers: ClinVar variation 658868 (VCV000658868.6), dbSNP rs146024802, ClinGen allele CA383744314.